The following is an entry in ClinVar:

ClinVar aggregate classification (germline): Likely benign. Review status: criteria provided, multiple submitters, no conflicts (2 of 4 stars). 3 submissions from 3 submitters: Likely benign (2). 1 of the submissions does not count toward it. Last evaluated 2022-12-02.

Conditions:
ATP8B1-related disorder. Also called: ATP8B1-related disorders; ATP8B1-related condition.

Allele frequency attached by ClinVar (database versions not stated): gnomAD 0.00002 and 0.00001; ExAC 0.00001; gnomAD exomes 0.00001; TOPMed 0.00001.
gnomAD v4.1: 4 of 1,610,592 alleles (0.00025%); highest among the groups gnomAD compares: East Asian, 0.0067%; no homozygotes.

Submissions (3):

Labcorp Genetics (formerly Invitae), Labcorp
Classification: Likely benign. Last evaluated: 2022-12-02. Review status: criteria provided, single submitter. Criteria: Invitae Variant Classification Sherloc (09022015). Collection method: clinical testing. Allele origin: germline.

GeneDx
Classification: Likely benign. Last evaluated: 2018-05-04. Review status: criteria provided, single submitter. Criteria: GeneDx Variant Classification (06012015). Collection method: clinical testing. Allele origin: germline. Affected: yes.
Comment: This variant is considered likely benign or benign based on one or more of the following criteria: it is a conservative change, it occurs at a poorly conserved position in the protein, it is predicted to be benign by multiple in silico algorithms, and/or has population frequency not consistent with disease.

PreventionGenetics, part of Exact Sciences
Classification: Likely benign for ATP8B1-related condition. Last evaluated: 2023-11-27. Review status: no assertion criteria provided. Collection method: clinical testing. Allele origin: germline. Not counted in ClinVar's aggregate classification.
Comment: This variant is classified as likely benign based on ACMG/AMP sequence variant interpretation guidelines (Richards et al. 2015 PMID: 25741868, with internal and published modifications).

NM_001374385.1(ATP8B1):c.2916T>C (p.Asn972=)

Genes: ATP8B1 (ATPase phospholipid transporting 8B1; minus strand), ATP8B1-AS1 (ATP8B1 antisense RNA 1; plus strand). Cytogenetic location: 18q21.31.
Variant type: single nucleotide variant.
Coding change: c.2916T>C on transcript NM_001374385.1 (MANE Select); coding-DNA position 2916, T replaced by C.
Protein change: p.Asn972=; no amino-acid change (asparagine 972 retained).
Molecular consequence: synonymous variant.
Genome position (GRCh38, 1-based): chr18:57,655,209, A>G on the plus strand (T>C on the coding strand, the complement: ATP8B1 is on the minus strand). VCF-style: chr18-57655209-A-G. GRCh37 (hg19) VCF-style: chr18-55322441-A-G.
Other names: c.2766T>C, p.Asn922= (NM_001374386.1); c.2916T>C, p.Asn972= (NM_005603.6).
Identifiers: ClinVar variation 682118 (VCV000682118.6), dbSNP rs763526583, ClinGen allele CA8974137.